The following is an entry in ClinVar:

NM_001040142.2(SCN2A):c.4258A>G (p.Thr1420Ala)

Gene: SCN2A (sodium voltage-gated channel alpha subunit 2; plus strand). Cytogenetic location: 2q24.3.
Variant type: single nucleotide variant.
Coding change: c.4258A>G on transcript NM_001040142.2 (MANE Select); coding-DNA position 4258, A replaced by G.
Protein change: p.Thr1420Ala; replaces threonine 1420 with alanine.
Molecular consequence: missense variant.
Genome position (GRCh38, 1-based): chr2:165,377,600, A>G. VCF-style: chr2-165377600-A-G. GRCh37 (hg19) VCF-style: chr2-166234110-A-G.
Other names: c.4258A>G, p.Thr1420Ala (NM_001040143.2, NM_001371246.1, NM_001371247.1 and 1 more transcripts); short protein forms T1420A.
Identifiers: ClinVar variation 2949324 (VCV002949324.3), dbSNP rs2468113983, ClinGen allele CA349032895.

ClinVar aggregate classification (germline): Uncertain significance (1 of 4 stars; one submission).

Conditions:
Seizures, benign familial infantile, 3 (BFIS3). Also called: CONVULSIONS, BENIGN FAMILIAL INFANTILE, 3; Familial neonatal seizures. Identifiers: Orphanet 140927, Orphanet 306, MedGen C1843140, MONDO:0011904, OMIM 607745.
Developmental and epileptic encephalopathy, 11 (DEE11). Also called: Early infantile epileptic encephalopathy 11. Identifiers: Orphanet 1934, MedGen C3150987, MONDO:0013388, OMIM 613721.

Submission:

Labcorp Genetics (formerly Invitae), Labcorp
Classification: Uncertain significance for Seizures, benign familial infantile, 3; Developmental and epileptic encephalopathy, 11. Last evaluated: 2023-06-25. Review status: criteria provided, single submitter. Criteria: Invitae Variant Classification Sherloc (09022015). Collection method: clinical testing. Allele origin: germline.
Comment: In summary, the available evidence is currently insufficient to determine the role of this variant in disease. Therefore, it has been classified as a Variant of Uncertain Significance. Advanced modeling of protein sequence and biophysical properties (such as structural, functional, and spatial information, amino acid conservation, physicochemical variation, residue mobility, and thermodynamic stability) performed at Invitae indicates that this missense variant is expected to disrupt SCN2A protein function. This variant has not been reported in the literature in individuals affected with SCN2A-related conditions. This variant is not present in population databases (gnomAD no frequency). This sequence change replaces threonine, which is neutral and polar, with alanine, which is neutral and non-polar, at codon 1420 of the SCN2A protein (p.Thr1420Ala).